The following is an entry in ClinVar:

ClinVar aggregate classification (germline): Uncertain significance (0 of 4 stars; one submission).

Conditions:
ITPR2-related disorder. Also called: ITPR2-related condition.

Submission:

PreventionGenetics, part of Exact Sciences
Classification: Uncertain significance for ITPR2-related condition. Last evaluated: 2024-09-16. Review status: no assertion criteria provided. Collection method: clinical testing. Allele origin: germline.
Comment: The ITPR2 c.782delA variant is predicted to result in a frameshift and premature protein termination (p.His261Profs*24). To our knowledge, this variant has not been reported in the literature or in a large population database, indicating this variant is rare. At this time, the clinical significance of this variant is uncertain due to the absence of conclusive functional and genetic evidence.

NM_002223.4(ITPR2):c.782del (p.His261fs)

Gene: ITPR2 (inositol 1,4,5-trisphosphate receptor type 2; minus strand). Cytogenetic location: 12p11.23.
Variant type: Deletion.
Coding change: c.782del on transcript NM_002223.4 (MANE Select); coding-DNA position 782, one base deleted (A; older notation c.782delA).
Protein change: p.His261fs; shifts the reading frame from histidine 261.
Molecular consequence: frameshift variant.
Genome position (GRCh38, 1-based): chr12:26,715,372, T deleted on the plus strand (A on the coding strand, the reverse complement: ITPR2 is on the minus strand). VCF-style (leftmost placement, unchanged base first): chr12-26715371-GT-G. GRCh37 (hg19) VCF-style: chr12-26868304-GT-G.
Other names: c.782del, p.His261fs (NM_001414174.1, NM_001414175.1); short protein forms H261fs.
Identifiers: ClinVar variation 3344997 (VCV003344997.1).